The following is an entry in ClinVar:

NM_003737.4(DCHS1):c.1895A>G (p.Asp632Gly)

Gene: DCHS1 (dachsous cadherin-related 1; minus strand). Cytogenetic location: 11p15.4.
Variant type: single nucleotide variant.
Coding change: c.1895A>G on transcript NM_003737.4 (MANE Select); coding-DNA position 1895, A replaced by G.
Protein change: p.Asp632Gly; replaces aspartic acid 632 with glycine.
Molecular consequence: missense variant.
Genome position (GRCh38, 1-based): chr11:6,634,209, T>C on the plus strand (A>G on the coding strand, the complement: DCHS1 is on the minus strand). VCF-style: chr11-6634209-T-C. GRCh37 (hg19) VCF-style: chr11-6655440-T-C.
Other names: short protein forms D632G.
Identifiers: ClinVar variation 4774679 (VCV004774679.1).
Genomic context (GRCh38, chr11:6,634,209, plus strand): 5'-CTTGAGGGCCCCTGGTCACGGTCCAGGGTCCGGGTTGTGCACACATCACCGCTGTGGGCA[T>C]CAATGCGGAATGGGGGAGATCCGGAGGACCCAAGTCCAGCACCCAAGGAATAGGAGAGGA-3'
Protein context (NP_003728.1, residues 622-642): GSSGSPPFRI[Asp632Gly]AHSGDVCTTR

ClinVar aggregate classification (germline): Uncertain significance (1 of 4 stars; one submission).

gnomAD v4.1: 1 of 1,613,882 alleles (0.000062%); highest among the groups gnomAD compares: Non-Finnish European, 0.000085%; no homozygotes.

Submission:

Labcorp Genetics (formerly Invitae), Labcorp
Classification: Uncertain significance. Last evaluated: 2025-05-09. Review status: criteria provided, single submitter. Criteria: Invitae Variant Classification Sherloc (09022015). Collection method: clinical testing. Allele origin: germline.
Comment: This sequence change replaces aspartic acid, which is acidic and polar, with glycine, which is neutral and non-polar, at codon 632 of the DCHS1 protein (p.Asp632Gly). This variant is not present in population databases (gnomAD no frequency). This variant has not been reported in the literature in individuals affected with DCHS1-related conditions. Invitae Evidence Modeling of protein sequence and biophysical properties (such as structural, functional, and spatial information, amino acid conservation, physicochemical variation, residue mobility, and thermodynamic stability) has been performed for this missense variant. However, the output from this modeling did not meet the statistical confidence thresholds required to predict the impact of this variant on DCHS1 protein function. In summary, the available evidence is currently insufficient to determine the role of this variant in disease. Therefore, it has been classified as a Variant of Uncertain Significance.